The following is an entry in ClinVar:

NM_001563.4(IMPG1):c.1394C>T (p.Thr465Ile)

Gene: IMPG1 (interphotoreceptor matrix proteoglycan 1; minus strand). Cytogenetic location: 6q14.1.
Variant type: single nucleotide variant.
Coding change: c.1394C>T on transcript NM_001563.4 (MANE Select); coding-DNA position 1394, C replaced by T.
Protein change: p.Thr465Ile; replaces threonine 465 with isoleucine.
Molecular consequence: missense variant.
Genome position (GRCh38, 1-based): chr6:75,950,992, G>A on the plus strand (C>T on the coding strand, the complement: IMPG1 is on the minus strand). VCF-style: chr6-75950992-G-A. GRCh37 (hg19) VCF-style: chr6-76660709-G-A.
Other names: c.1160C>T, p.Thr387Ile (NM_001282368.2); short protein forms T465I, T387I.
Identifiers: ClinVar variation 2864913 (VCV002864913.3), dbSNP rs1562345602, ClinGen allele CA364778060.
Genomic context (GRCh38, chr6:75,950,992, plus strand): 5'-TCACTGGTGGGGATGGTGAGCCCTGGTACTAGCATTGTCTGGTCAGTGGCCATTGTATCT[G>A]TGGTGCCTTGATCAGTCAGAGAGAAGATGCTTGATGCCATAAAGAAAGGTGGAGCTTCTG-3'
Protein context (NP_001554.2, residues 455-475): SIFSLTDQGT[Thr465Ile]DTMATDQTML

ClinVar aggregate classification (germline): Uncertain significance (1 of 4 stars; one submission).

Allele frequency attached by ClinVar (database versions not stated): gnomAD exomes below 0.00001.
gnomAD v4.1: 2 of 1,613,932 alleles (0.00012%); highest among the groups gnomAD compares: Non-Finnish European, 0.00017%; no homozygotes.

Submission:

Labcorp Genetics (formerly Invitae), Labcorp
Classification: Uncertain significance. Last evaluated: 2023-12-25. Review status: criteria provided, single submitter. Criteria: Invitae Variant Classification Sherloc (09022015). Collection method: clinical testing. Allele origin: germline.
Comment: This sequence change replaces threonine, which is neutral and polar, with isoleucine, which is neutral and non-polar, at codon 465 of the IMPG1 protein (p.Thr465Ile). This variant is not present in population databases (gnomAD no frequency). This variant has not been reported in the literature in individuals affected with IMPG1-related conditions. Algorithms developed to predict the effect of missense changes on protein structure and function output the following: SIFT: "Not Available"; PolyPhen-2: "Benign"; Align-GVGD: "Not Available". The isoleucine amino acid residue is found in multiple mammalian species, which suggests that this missense change does not adversely affect protein function. In summary, the available evidence is currently insufficient to determine the role of this variant in disease. Therefore, it has been classified as a Variant of Uncertain Significance.